The following is an entry in ClinVar:

ClinVar aggregate classification (germline): Uncertain significance (1 of 4 stars; one submission).

Conditions:
Kennedy disease (SMAX1). Also called: SPINAL AND BULBAR MUSCULAR ATROPHY, X-LINKED 1; KENNEDY SPINAL AND BULBAR MUSCULAR ATROPHY; Spinal and Bulbar Muscular Atrophy. Identifiers: Orphanet 481, MedGen C1839259, MONDO:0010735, OMIM 313200.
Androgen resistance syndrome (AIS). Also called: DHTR DEFICIENCY; DIHYDROTESTOSTERONE RECEPTOR DEFICIENCY; ANDROGEN RECEPTOR DEFICIENCY; TESTICULAR FEMINIZATION SYNDROME; Androgen insensitivity syndrome; Androgen insensitivity. Identifiers: Orphanet 754, Orphanet 99429, MedGen C0039585, MONDO:0019154, OMIM 300068. Disease mechanism: loss of function.

Allele frequency attached by ClinVar (database versions not stated): TOPMed below 0.00001.
gnomAD v4.1: 9 of 1,211,533 alleles (0.00074%); highest among the groups gnomAD compares: Non-Finnish European, 0.001%; no homozygotes.

Submission:

Labcorp Genetics (formerly Invitae), Labcorp
Classification: Uncertain significance for Kennedy disease; Androgen resistance syndrome. Last evaluated: 2023-07-12. Review status: criteria provided, single submitter. Criteria: Invitae Variant Classification Sherloc (09022015). Collection method: clinical testing. Allele origin: germline.
Comment: This sequence change replaces alanine, which is neutral and non-polar, with glycine, which is neutral and non-polar, at codon 680 of the AR protein (p.Ala680Gly). This variant is present in population databases (rs752745942, gnomAD 0.003%), including at least one homozygous and/or hemizygous individual. This variant has not been reported in the literature in individuals affected with AR-related conditions. Advanced modeling of protein sequence and biophysical properties (such as structural, functional, and spatial information, amino acid conservation, physicochemical variation, residue mobility, and thermodynamic stability) has been performed at Invitae for this missense variant, however the output from this modeling did not meet the statistical confidence thresholds required to predict the impact of this variant on AR protein function. In summary, the available evidence is currently insufficient to determine the role of this variant in disease. Therefore, it has been classified as a Variant of Uncertain Significance.

NM_000044.6(AR):c.2039C>G (p.Ala680Gly)

Gene: AR (androgen receptor; plus strand). Cytogenetic location: Xq12.
Variant type: single nucleotide variant.
Coding change: c.2039C>G on transcript NM_000044.6 (MANE Select); coding-DNA position 2039, C replaced by G.
Protein change: p.Ala680Gly; replaces alanine 680 with glycine.
Molecular consequence: missense variant.
Genome position (GRCh38, 1-based): chrX:67,711,555, C>G. VCF-style: chrX-67711555-C-G. GRCh37 (hg19) VCF-style: chrX-66931397-C-G.
Other names: c.443C>G, p.Ala148Gly (NM_001011645.3); c.2042C>G, p.Ala681Gly (NM_001424175.1); short protein forms A148G, A681G, A680G.
Identifiers: ClinVar variation 2941277 (VCV002941277.3), dbSNP rs752745942, ClinGen allele CA10436569.